The following is an entry in ClinVar:

ClinVar aggregate classification (germline): Uncertain significance. Review status: criteria provided, multiple submitters, no conflicts (2 of 4 stars). 2 submissions from 2 submitters: Uncertain significance (2). Last evaluated 2026-01-18.

Conditions:
Inborn genetic diseases. Identifiers: MedGen C0950123, MeSH D030342.

Allele frequency attached by ClinVar (database versions not stated): gnomAD 0.00008 and 0.00009; TOPMed 0.00014; ESP Exome Variant Server 0.00015; ExAC 0.00017; gnomAD exomes 0.00020 and 0.00028.
gnomAD v4.1: 425 of 1,614,048 alleles (0.026%); highest among the groups gnomAD compares: Non-Finnish European, 0.033%; no homozygotes.

Submissions (2):

Labcorp Genetics (formerly Invitae), Labcorp
Classification: Uncertain significance. Last evaluated: 2026-01-18. Review status: criteria provided, single submitter. Criteria: Invitae Variant Classification Sherloc (09022015). Collection method: clinical testing. Allele origin: germline.
Comment: This sequence change replaces histidine, which is basic and polar, with asparagine, which is neutral and polar, at codon 238 of the DLX5 protein (p.His238Asn). This variant is present in population databases (rs148894146, gnomAD 0.04%), and has an allele count higher than expected for a pathogenic variant. This variant has not been reported in the literature in individuals affected with DLX5-related conditions. ClinVar contains an entry for this variant (Variation ID: 1351701). Invitae Evidence Modeling of protein sequence and biophysical properties (such as structural, functional, and spatial information, amino acid conservation, physicochemical variation, residue mobility, and thermodynamic stability) indicates that this missense variant is not expected to disrupt DLX5 protein function with a negative predictive value of 80%. In summary, the available evidence is currently insufficient to determine the role of this variant in disease. Therefore, it has been classified as a Variant of Uncertain Significance.

Ambry Genetics
Classification: Uncertain significance for Inborn genetic diseases. Last evaluated: 2024-08-26. Review status: criteria provided, single submitter. Criteria: Ambry Variant Classification Scheme 2023. Collection method: clinical testing. Allele origin: germline.

NM_005221.6(DLX5):c.712C>A (p.His238Asn)

Gene: DLX5 (distal-less homeobox 5; minus strand). Cytogenetic location: 7q21.3.
Variant type: single nucleotide variant.
Coding change: c.712C>A on transcript NM_005221.6 (MANE Select); coding-DNA position 712, C replaced by A.
Protein change: p.His238Asn; replaces histidine 238 with asparagine.
Molecular consequence: missense variant.
Genome position (GRCh38, 1-based): chr7:97,020,894, G>T on the plus strand (C>A on the coding strand, the complement: DLX5 is on the minus strand). VCF-style: chr7-97020894-G-T. GRCh37 (hg19) VCF-style: chr7-96650206-G-T.
Other names: c.712C>A (NM_005221.5); short protein forms H238N.
Identifiers: ClinVar variation 1351701 (VCV001351701.10), dbSNP rs148894146, ClinGen allele CA4353937.